The following is an entry in ClinVar:

NM_015631.6(TCTN3):c.650_653del (p.Tyr217fs)

Gene: TCTN3 (tectonic family member 3; minus strand). Cytogenetic location: 10q24.1.
Variant type: Microsatellite.
Coding change: c.650_653del on transcript NM_015631.6 (MANE Select); coding-DNA positions 650 to 653, 4 bases deleted (ACTT; older notation c.650_653delACTT).
Protein change: p.Tyr217fs; shifts the reading frame from tyrosine 217.
Molecular consequence: frameshift variant. On other transcripts: intron variant (1).
Genome position (GRCh38, 1-based): chr10:95,687,330-95,687,333, AAGT deleted on the plus strand (ACTT on the coding strand, the reverse complement: TCTN3 is on the minus strand); deleting any 4 consecutive bases within chr10:95,687,330-95,687,340 gives the same sequence; the c. name uses the placement nearest the transcript's 3' end. VCF-style (leftmost placement, unchanged base first): chr10-95687329-GAAGT-G. GRCh37 (hg19) VCF-style: chr10-97447086-GAAGT-G.
Other names: c.500-174_500-171del (NM_001143973.2); short protein forms Y217fs.
Identifiers: ClinVar variation 1459264 (VCV001459264.9), dbSNP rs749018985, ClinGen allele CA5621091.
Genomic context (GRCh38, chr10:95,687,329, plus strand): 5'-GAGTCCCCCAGCTCCAACTCCTGCAGGTTGTCTCAGCAAGCTTATTACAGACCACTTGGG[GAAGT>G]AAGTAAGAATGGGGTCCCCAGCCTGAATAAAATATAAAAGAAACTTTGTTCACAGTGAGA-3'

ClinVar aggregate classification (germline): Pathogenic/Likely pathogenic. Review status: criteria provided, multiple submitters, no conflicts (2 of 4 stars). 4 submissions from 4 submitters: Pathogenic (2); Likely pathogenic (1). 1 of the submissions does not count toward it. Last evaluated 2024-04-30.

Conditions:
TCTN3-related disorder. Also called: TCTN3-related condition.
Orofacial-digital syndrome IV (OFD4). Also called: MOHR-MAJEWSKI SYNDROME; BARAITSER-BURN SYNDROME; Orofaciodigital syndrome IV; OFD SYNDROME WITH TIBIAL DEFECTS; OFD SYNDROME, BARAITSER-BURN TYPE; OFDS IV. Identifiers: Orphanet 2753, MedGen C0406727, MONDO:0009794, OMIM 258860.
Joubert syndrome 18 (JBTS18). Identifiers: Orphanet 2754, MedGen C3553758, MONDO:0013896, OMIM 614815.

Submissions (4):

Fulgent Genetics
Classification: Pathogenic for Orofacial-digital syndrome IV; Joubert syndrome 18. Last evaluated: 2024-04-30. Review status: criteria provided, single submitter. Criteria: ACMG Guidelines, 2015. Collection method: clinical testing. Allele origin: germline.

Labcorp Genetics (formerly Invitae), Labcorp
Classification: Pathogenic for Joubert syndrome 18; Orofacial-digital syndrome IV. Last evaluated: 2023-11-04. Review status: criteria provided, single submitter. Criteria: Invitae Variant Classification Sherloc (09022015). Collection method: clinical testing. Allele origin: germline.
Comment: This sequence change creates a premature translational stop signal (p.Tyr217Serfs*6) in the TCTN3 gene. It is expected to result in an absent or disrupted protein product. Loss-of-function variants in TCTN3 are known to be pathogenic (PMID: 2692869, 22883145, 25118024). This variant is present in population databases (rs749018985, gnomAD 0.003%). This premature translational stop signal has been observed in individual(s) with clinical features of orofacial-digital syndrome (PMID: 22883145). For these reasons, this variant has been classified as Pathogenic.

Blueprint Genetics
Classification: Likely pathogenic for TCTN3-related disorders. Last evaluated: 2019-10-25. Review status: criteria provided, single submitter. Criteria: ACMG Guidelines, 2015. Collection method: clinical testing. Allele origin: germline. Affected: yes. Observed: 1 variant allele.

OMIM
Classification: Pathogenic for OROFACIODIGITAL SYNDROME IV. Last evaluated: 2012-08-10. Review status: no assertion criteria provided. Collection method: literature only. Allele origin: germline. Not counted in ClinVar's aggregate classification.

Literature cited by the submitters: PubMed 2692869 (cited by Labcorp Genetics (formerly Invitae), Labcorp); PubMed 22883145 (cited by Labcorp Genetics (formerly Invitae), Labcorp and OMIM); PubMed 25118024 (cited by Labcorp Genetics (formerly Invitae), Labcorp).